The following is an entry in ClinVar:

NM_000071.3(CBS):c.1135C>T (p.Arg379Trp)

Gene: CBS (cystathionine beta-synthase; minus strand). Cytogenetic location: 21q22.3.
Variant type: single nucleotide variant.
Coding change: c.1135C>T on transcript NM_000071.3 (MANE Select); coding-DNA position 1135, C replaced by T.
Protein change: p.Arg379Trp; replaces arginine 379 with tryptophan.
Molecular consequence: missense variant.
Genome position (GRCh38, 1-based): chr21:43,060,451, G>A on the plus strand (C>T on the coding strand, the complement: CBS is on the minus strand). VCF-style: chr21-43060451-G-A. GRCh37 (hg19) VCF-style: chr21-44480561-G-A.
Other names: p.R379W:CGG>TGG; c.1135C>T, p.Arg379Trp (NM_001178008.3, NM_001178009.3, NM_001320298.2); c.820C>T, p.Arg274Trp (NM_001321072.1); short protein forms R379W, R274W.
Identifiers: ClinVar variation 212881 (VCV000212881.22), dbSNP rs769080151, ClinGen allele CA320740.

ClinVar aggregate classification (germline): Pathogenic/Likely pathogenic. Review status: criteria provided, multiple submitters, no conflicts (2 of 4 stars). 9 submissions from 9 submitters: Pathogenic (3); Likely pathogenic (6). Last evaluated 2025-12-29.

Conditions:
Homocystinuria. Identifiers: MedGen C0019880, MONDO:0004737, HP:0002156.
Familial thoracic aortic aneurysm and aortic dissection (TAAD). Also called: Thoracic aortic aneurysms and dissections. Identifiers: Orphanet 91387, MedGen C4707243, MONDO:0019625.
Classic homocystinuria. Also called: Homocystinuria due to CBS deficiency; Cystathionine beta-synthase deficiency; CBS deficiency; HOMOCYSTINURIA WITH OR WITHOUT RESPONSE TO PYRIDOXINE; Homocystinuria due to Cystathionine Beta-Synthase Deficiency. Identifiers: Orphanet 394, MedGen C0751202, MONDO:0009352, OMIM 236200.
HYPERHOMOCYSTEINEMIA, THROMBOTIC, CBS-RELATED. Identifiers: MedGen C3150344, OMIM 236200.

Allele frequency attached by ClinVar (database versions not stated): ExAC 0.00001; gnomAD 0.00003; gnomAD exomes 0.00001.

Submissions (9):

Ambry Genetics
Classification: Likely pathogenic for Familial thoracic aortic aneurysm and aortic dissection. Last evaluated: 2025-12-29. Review status: criteria provided, single submitter. Criteria: Ambry Variant Classification Scheme 2023. Collection method: clinical testing. Allele origin: germline.
Comment: The p.R379W variant (also known as c.1135C>T), located in coding exon 10 of the CBS gene, results from a C to T substitution at nucleotide position 1135. The arginine at codon 379 is replaced by tryptophan, an amino acid with dissimilar properties. This variant has been identified in conjunction with other CBS variant(s) in individual(s) with features consistent with CBS-related homocystinuria (Linnebank M et al. Hum. Mutat., 2004 Oct;24:352-3; Oladipo O et al. Clin. Chem., 2010 Nov;56:1665-8). One functional study has indicated that this variant impairs CBS function in a yeast growth assay (Mayfield JA et al. Genetics, 2012 Apr;190:1309-23). This amino acid position is well conserved in available vertebrate species. In addition, this alteration is predicted to be deleterious by in silico analysis. This variant is considered to be rare based on population cohorts in the Genome Aggregation Database (gnomAD). Based on the majority of available evidence to date, this variant is likely to be pathogenic.

Labcorp Genetics (formerly Invitae), Labcorp
Classification: Pathogenic for HYPERHOMOCYSTEINEMIA, THROMBOTIC, CBS-RELATED. Last evaluated: 2025-11-04. Review status: criteria provided, single submitter. Criteria: Invitae Variant Classification Sherloc (09022015). Collection method: clinical testing. Allele origin: germline.
Comment: This sequence change replaces arginine, which is basic and polar, with tryptophan, which is neutral and slightly polar, at codon 379 of the CBS protein (p.Arg379Trp). This variant is present in population databases (rs769080151, gnomAD 0.007%). This missense change has been observed in individual(s) with homocystinuria due to CBS deficiency (PMID: 15365998, 21030686; internal data). In at least one individual the data is consistent with being in trans (on the opposite chromosome) from a pathogenic variant. ClinVar contains an entry for this variant (Variation ID: 212881). Invitae Evidence Modeling of protein sequence and biophysical properties (such as structural, functional, and spatial information, amino acid conservation, physicochemical variation, residue mobility, and thermodynamic stability) indicates that this missense variant is expected to disrupt CBS protein function with a positive predictive value of 95%. Experimental studies have shown that this missense change affects CBS function (PMID: 22267502). This variant disrupts the p.Arg379 amino acid residue in CBS. Other variant(s) that disrupt this residue have been determined to be pathogenic (PMID: 12815602, 16429402, 21520339). This suggests that this residue is clinically significant, and that variants that disrupt this residue are likely to be disease-causing. For these reasons, this variant has been classified as Pathogenic.

Natera, Inc.
Classification: Likely pathogenic for Homocystinuria due to cystathionine beta-synthase deficiency. Last evaluated: 2024-07-22. Review status: criteria provided, single submitter. Criteria: Natera Variant Classification Schema (03/2026). Collection method: clinical testing. Allele origin: germline.
Comment: The c.1135C>T variant in CBS is a missense variant predicted to cause substitution of arginine to tryptophan at amino acid 379. This variant is rare in the general population with a frequency below the threshold expected for the associated phenotype(s). This variant has been observed in one or more individuals affected with the associated recessive disease, as either homozygous or compound heterozygous with a second variant (PMID: 15365998, 21030686). A different variant at the same position has been determined to be Pathogenic or Likely Pathogenic. Computational prediction algorithms indicate this variant is likely to affect gene or protein function. Given the available evidence, this variant is classified as Likely Pathogenic.

Women's Health and Genetics/Laboratory Corporation of America, LabCorp
Classification: Pathogenic for Homocystinuria. Last evaluated: 2024-01-23. Review status: criteria provided, single submitter. Criteria: LabCorp Variant Classification Summary - May 2015. Collection method: clinical testing. Allele origin: germline.
Comment: Variant summary: CBS c.1135C>T (p.Arg379Trp) results in a non-conservative amino acid change in the encoded protein sequence. Five of five in-silico tools predict a damaging effect of the variant on protein function. The variant allele was found at a frequency of 8e-06 in 249404 control chromosomes (gnomAD). c.1135C>T has been reported in the literature in individuals affected with Homocystinuria due to CBS deficiency (examples: Linnebank_2004, Oladipo_2010, Stranneheim_2021). A different variant affecting this residue (c.1136G>A, p.Arg379Gln) has been classified pathogenic in ClinVar (CV ID 188825). These data indicate that the variant is likely to be associated with disease. The following publications have been ascertained in the context of this evaluation (PMID: 15365998, 22267502, 21030686, 33726816). ClinVar contains an entry for this variant (Variation ID: 212881). Based on the evidence outlined above, the variant was classified as pathogenic.

Revvity Omics, Revvity
Classification: Pathogenic for Classic homocystinuria. Last evaluated: 2023-12-28. Review status: criteria provided, single submitter. Criteria: ACMG Guidelines, 2015. Collection method: clinical testing. Allele origin: germline.

Baylor Genetics
Classification: Likely pathogenic for Classic homocystinuria. Last evaluated: 2023-10-19. Review status: criteria provided, single submitter. Criteria: ACMG Guidelines, 2015. Collection method: clinical testing. Allele origin: unknown.

Genomic Research Center, Shahid Beheshti University of Medical Sciences
Classification: Likely pathogenic for Classic homocystinuria. Last evaluated: 2020-05-03. Review status: criteria provided, single submitter. Criteria: ACMG Guidelines, 2015. Collection method: clinical testing. Allele origin: unknown. Affected: yes.

GeneDx
Classification: Likely pathogenic. Last evaluated: 2019-03-21. Review status: criteria provided, single submitter. Criteria: GeneDx Variant Classification Process June 2021. Collection method: clinical testing. Allele origin: germline. Affected: yes.
Comment: Not observed at a significant frequency in large population cohorts (Lek et al., 2016); In silico analysis, which includes protein predictors and evolutionary conservation, supports a deleterious effect; Reported in ClinVar but additional evidence is not available (ClinVar Variant ID#212881; Landrum et al., 2016); This variant is associated with the following publications: (PMID: 15365998, 22267502, 21030686)

Fulgent Genetics
Classification: Likely pathogenic for Classic homocystinuria. Last evaluated: 2018-10-31. Review status: criteria provided, single submitter. Criteria: ACMG Guidelines, 2015. Collection method: clinical testing. Allele origin: unknown.

Literature cited by the submitters: PubMed 15365998 (cited by 4 submitters); PubMed 21030686 (cited by 4 submitters); PubMed 22267502 (cited by 3 submitters); PubMed 12815602 (cited by Labcorp Genetics (formerly Invitae), Labcorp); PubMed 16429402 (cited by Labcorp Genetics (formerly Invitae), Labcorp); PubMed 21520339 (cited by Labcorp Genetics (formerly Invitae), Labcorp); PubMed 33726816 (cited by Women's Health and Genetics/Laboratory Corporation of America, LabCorp).